The following is an entry in ClinVar:

ClinVar aggregate classification (germline): Uncertain significance (1 of 4 stars; one submission).

Allele frequency attached by ClinVar (database versions not stated): gnomAD exomes 0.00003; ExAC 0.00004; ESP Exome Variant Server 0.00008; gnomAD 0.00011; 1000 Genomes Project 30x 0.00031; 1000 Genomes Project 0.00040.

Submission:

Labcorp Genetics (formerly Invitae), Labcorp
Classification: Uncertain significance. Last evaluated: 2024-01-31. Review status: criteria provided, single submitter. Criteria: Invitae Variant Classification Sherloc (09022015). Collection method: clinical testing. Allele origin: germline.
Comment: This sequence change replaces lysine, which is basic and polar, with arginine, which is basic and polar, at codon 80 of the MTFMT protein (p.Lys80Arg). This variant is present in population databases (rs201724990, gnomAD 0.04%). This variant has not been reported in the literature in individuals affected with MTFMT-related conditions. ClinVar contains an entry for this variant (Variation ID: 1484872). Algorithms developed to predict the effect of missense changes on protein structure and function output the following: SIFT: "Not Available"; PolyPhen-2: "Benign"; Align-GVGD: "Not Available". The arginine amino acid residue is found in multiple mammalian species, which suggests that this missense change does not adversely affect protein function. In summary, the available evidence is currently insufficient to determine the role of this variant in disease. Therefore, it has been classified as a Variant of Uncertain Significance.

NM_139242.4(MTFMT):c.239A>G (p.Lys80Arg)

Gene: MTFMT (mitochondrial methionyl-tRNA formyltransferase; minus strand). Cytogenetic location: 15q22.31.
Variant type: single nucleotide variant.
Coding change: c.239A>G on transcript NM_139242.4 (MANE Select); coding-DNA position 239, A replaced by G.
Protein change: p.Lys80Arg; replaces lysine 80 with arginine.
Molecular consequence: missense variant.
Genome position (GRCh38, 1-based): chr15:65,027,011, T>C on the plus strand (A>G on the coding strand, the complement: MTFMT is on the minus strand). VCF-style: chr15-65027011-T-C. GRCh37 (hg19) VCF-style: chr15-65319349-T-C.
Other names: short protein forms K80R.
Identifiers: ClinVar variation 1484872 (VCV001484872.6), dbSNP rs201724990, ClinGen allele CA7613409.